The following is an entry in ClinVar:

NM_000081.4(LYST):c.3088C>T (p.Pro1030Ser)

Gene: LYST (lysosomal trafficking regulator; minus strand). Cytogenetic location: 1q42.3.
Variant type: single nucleotide variant.
Coding change: c.3088C>T on transcript NM_000081.4 (MANE Select); coding-DNA position 3088, C replaced by T.
Protein change: p.Pro1030Ser; replaces proline 1030 with serine.
Molecular consequence: missense variant.
Genome position (GRCh38, 1-based): chr1:235,806,048, G>A on the plus strand (C>T on the coding strand, the complement: LYST is on the minus strand). VCF-style: chr1-235806048-G-A. GRCh37 (hg19) VCF-style: chr1-235969348-G-A.
Other names: c.3088C>T, p.Pro1030Ser (NM_001301365.1); short protein forms P1030S.
Identifiers: ClinVar variation 1956250 (VCV001956250.3), dbSNP rs2527074216, ClinGen allele CA344953542.
Genomic context (GRCh38, chr1:235,806,048, plus strand): 5'-ATGGTATGGGGTCACTTTTTATAGCCAAAGATAATAAATCTTCCTTCATAGTTCTCTTAG[G>A]TTGAGAAATTCTGTTTAAATCCTGGTTTTCATTTACACTTGTATCTCCCTCCTTTTTTCC-3'
Protein context (NP_000072.2, residues 1020-1040): ENQDLNRISQ[Pro1030Ser]KRTMKEDLLS

ClinVar aggregate classification (germline): Conflicting classifications of pathogenicity. Review status: criteria provided, conflicting classifications (1 of 4 stars). 2 submissions from 2 submitters: Uncertain significance (1); Likely benign (1). Last evaluated 2023-06-14.

Conditions:
Chédiak-Higashi syndrome (CHS). Also called: Chediak-Higashi Syndrome. Identifiers: Orphanet 167, MedGen C0007965, MONDO:0008963, OMIM 214500.

Allele frequency attached by ClinVar (database versions not stated): gnomAD exomes below 0.00001.
gnomAD v4.1: 2 of 1,613,684 alleles (0.00012%); highest among the groups gnomAD compares: South Asian, 0.0022%; no homozygotes.

Submissions (2):

Blueprint Genetics
Classification: Likely benign. Last evaluated: 2023-06-14. Review status: criteria provided, single submitter. Criteria: ACMG Guidelines, 2015. Collection method: clinical testing. Allele origin: germline.

Labcorp Genetics (formerly Invitae), Labcorp
Classification: Uncertain significance for Chédiak-Higashi syndrome. Last evaluated: 2021-12-12. Review status: criteria provided, single submitter. Criteria: Invitae Variant Classification Sherloc (09022015). Collection method: clinical testing. Allele origin: germline.
Comment: This sequence change replaces proline, which is neutral and non-polar, with serine, which is neutral and polar, at codon 1030 of the LYST protein (p.Pro1030Ser). This variant is not present in population databases (gnomAD no frequency). This variant has not been reported in the literature in individuals affected with LYST-related conditions. Algorithms developed to predict the effect of missense changes on protein structure and function output the following: SIFT: "Tolerated"; PolyPhen-2: "Benign"; Align-GVGD: "Class C0". The serine amino acid residue is found in multiple mammalian species, which suggests that this missense change does not adversely affect protein function. In summary, the available evidence is currently insufficient to determine the role of this variant in disease. Therefore, it has been classified as a Variant of Uncertain Significance.